The following is an entry in ClinVar:

ClinVar aggregate classification (germline): Uncertain significance. Review status: criteria provided, multiple submitters, no conflicts (2 of 4 stars). 2 submissions from 2 submitters: Uncertain significance (2). Last evaluated 2025-09-02.

Conditions:
Inborn genetic diseases. Identifiers: MedGen C0950123, MeSH D030342.

Allele frequency attached by ClinVar (database versions not stated): gnomAD 0.00015; ExAC 0.00016.
gnomAD v4.1: 157 of 1,539,374 alleles (0.01%); highest among the groups gnomAD compares: Admixed American, 0.051%; 1 homozygote.

Submissions (2):

Labcorp Genetics (formerly Invitae), Labcorp
Classification: Uncertain significance. Last evaluated: 2025-09-02. Review status: criteria provided, single submitter. Criteria: Invitae Variant Classification Sherloc (09022015). Collection method: clinical testing. Allele origin: germline.
Comment: This sequence change replaces aspartic acid, which is acidic and polar, with glycine, which is neutral and non-polar, at codon 192 of the AMH protein (p.Asp192Gly). This variant is present in population databases (rs764521397, gnomAD 0.2%). This variant has not been reported in the literature in individuals affected with AMH-related conditions. ClinVar contains an entry for this variant (Variation ID: 2193494). An algorithm developed to predict the effect of missense changes on protein structure and function (PolyPhen-2) suggests that this variant is likely to be disruptive. In summary, the available evidence is currently insufficient to determine the role of this variant in disease. Therefore, it has been classified as a Variant of Uncertain Significance.

Ambry Genetics
Classification: Uncertain significance for Inborn genetic diseases. Last evaluated: 2025-05-16. Review status: criteria provided, single submitter. Criteria: Ambry Variant Classification Scheme 2023. Collection method: clinical testing. Allele origin: germline.

NM_000479.5(AMH):c.575A>G (p.Asp192Gly)

Genes: AMH (anti-Mullerian hormone; plus strand), MIR4321 (microRNA 4321; plus strand), LOC130063038 (ATAC-STARR-seq lymphoblastoid silent region 9776; plus strand). Cytogenetic location: 19p13.3.
Variant type: single nucleotide variant.
Coding change: c.575A>G on transcript NM_000479.5 (MANE Select); coding-DNA position 575, A replaced by G.
Protein change: p.Asp192Gly; replaces aspartic acid 192 with glycine.
Molecular consequence: missense variant. On other transcripts: non-coding transcript variant (1).
Genome position (GRCh38, 1-based): chr19:2,250,671, A>G. VCF-style: chr19-2250671-A-G. GRCh37 (hg19) VCF-style: chr19-2250670-A-G.
Other names: c.575A>G (NM_000479.3); short protein forms D192G.
Identifiers: ClinVar variation 2193494 (VCV002193494.7), dbSNP rs764521397, ClinGen allele CA9062916.